The following is an entry in ClinVar:

NM_182943.3(PLOD2):c.1287G>A (p.Trp429Ter)

Gene: PLOD2 (procollagen-lysine,2-oxoglutarate 5-dioxygenase 2; minus strand). Cytogenetic location: 3q24.
Variant type: single nucleotide variant.
Coding change: c.1287G>A on transcript NM_182943.3 (MANE Select); coding-DNA position 1287, G replaced by A.
Protein change: p.Trp429Ter; replaces tryptophan 429 with a stop codon.
Molecular consequence: nonsense.
Genome position (GRCh38, 1-based): chr3:146,081,809, C>T on the plus strand (G>A on the coding strand, the complement: PLOD2 is on the minus strand). VCF-style: chr3-146081809-C-T. GRCh37 (hg19) VCF-style: chr3-145799596-C-T.
Other names: c.1287G>A, p.Trp429Ter (NM_000935.3); short protein forms W429*.
Identifiers: ClinVar variation 1425319 (VCV001425319.6), dbSNP rs2108010958, ClinGen allele CA354889823.

ClinVar aggregate classification (germline): Pathogenic (1 of 4 stars; one submission).

Submission:

Labcorp Genetics (formerly Invitae), Labcorp
Classification: Pathogenic. Last evaluated: 2024-09-06. Review status: criteria provided, single submitter. Criteria: Invitae Variant Classification Sherloc (09022015). Collection method: clinical testing. Allele origin: germline.
Comment: This sequence change creates a premature translational stop signal (p.Trp429*) in the PLOD2 gene. It is expected to result in an absent or disrupted protein product. Loss-of-function variants in PLOD2 are known to be pathogenic (PMID: 22689593, 25238597, 29178448). This variant is not present in population databases (gnomAD no frequency). This variant has not been reported in the literature in individuals affected with PLOD2-related conditions. ClinVar contains an entry for this variant (Variation ID: 1425319). For these reasons, this variant has been classified as Pathogenic.

Literature cited by the submitters: PubMed 22689593; PubMed 25238597; PubMed 29178448.